The following is an entry in ClinVar:

NM_001356.5(DDX3X):c.1039G>C (p.Asp347His)

Gene: DDX3X (DEAD-box helicase 3 X-linked; plus strand). Cytogenetic location: Xp11.4.
Variant type: single nucleotide variant.
Coding change: c.1039G>C on transcript NM_001356.5 (MANE Select); coding-DNA position 1039, G replaced by C.
Protein change: p.Asp347His; replaces aspartic acid 347 with histidine.
Molecular consequence: missense variant. On other transcripts: non-coding transcript variant (1).
Genome position (GRCh38, 1-based): chrX:41,345,193, G>C. VCF-style: chrX-41345193-G-C. GRCh37 (hg19) VCF-style: chrX-41204446-G-C.
Other names: c.1039G>C, p.Asp347His (NM_001193416.3); c.991G>C, p.Asp331His (NM_001193417.3); c.481G>C, p.Asp161His (NM_001363819.1); short protein forms D161H, D331H, D347H.
Identifiers: ClinVar variation 4530072 (VCV004530072.2).
Genomic context (GRCh38, chrX:41,345,193, plus strand): 5'-CTCCTCAAATTCTAAACTCAGGCTTGTTTTTTTTCATGACATGACAGATACTTGGTGTTA[G>C]ATGAAGCTGATCGGATGTTGGATATGGGGTTTGAGCCTCAGATTCGTAGAATAGTCGAAC-3'
Protein context (NP_001347.3, residues 337-357): GLDFCKYLVL[Asp347His]EADRMLDMGF

ClinVar aggregate classification (germline): Uncertain significance (1 of 4 stars; one submission).
ClinVar aggregate classification (somatic clinical impact): Tier I - Strong (1 of 4 stars; one submission).

Conditions:
Medulloblastoma WNT activated. Identifiers: MedGen C4331965, MONDO:0850196.

Submissions (2):

Blueprint Genetics
Classification: Uncertain significance. Last evaluated: 2024-10-23. Review status: criteria provided, single submitter. Criteria: ACMG Guidelines, 2015. Collection method: clinical testing. Allele origin: germline.

Institute for Genomic Medicine (IGM) Clinical Laboratory, Nationwide Children's Hospital
Classification: Tier I - Strong for Medulloblastoma WNT activated. Assertion type: diagnostic. Clinical significance: supports diagnosis. Last evaluated: 2023-07-11. Review status: criteria provided, single submitter. Criteria: AMP/ASCO/CAP Guidelines, 2017. Collection method: clinical testing. Allele origin: somatic. Affected: yes.
Comment: Variant has Tier I (strong) clinical significance as a diagnostic inclusion criterion in medulloblastoma WNT activated, based on the following evidence: 1) Documented in one or more cancer databases (e.g., St. Jude Pecan, COSMIC, CIViC, OncoKB). 2) Appears in one or more well-established professional guidelines (e.g., World Health Organization [WHO]; National Comprehensive Cancer Network [NCCN]) as providing diagnostic, prognostic, or therapeutic information. 3) Diagnostic for a specific tumor type/classification based on well-powered studies with expert-level consensus (Evidence Level B; PMIDs: 22832583, 22722829, 28726821, 22820256).

Literature cited by the submitters: PubMed 22832583 (cited by Institute for Genomic Medicine (IGM) Clinical Laboratory, Nationwide Children's Hospital); PubMed 22722829 (cited by Institute for Genomic Medicine (IGM) Clinical Laboratory, Nationwide Children's Hospital); PubMed 28726821 (cited by Institute for Genomic Medicine (IGM) Clinical Laboratory, Nationwide Children's Hospital); PubMed 22820256 (cited by Institute for Genomic Medicine (IGM) Clinical Laboratory, Nationwide Children's Hospital).